The following is an entry in ClinVar:

NM_016122.3(CEP83):c.2099G>A (p.Gly700Glu)

Gene: CEP83 (centrosomal protein 83; minus strand). Cytogenetic location: 12q22.
Variant type: single nucleotide variant.
Coding change: c.2099G>A on transcript NM_016122.3 (MANE Select); coding-DNA position 2099, G replaced by A.
Protein change: p.Gly700Glu; replaces glycine 700 with glutamic acid.
Molecular consequence: missense variant. On other transcripts: non-coding transcript variant (2).
Genome position (GRCh38, 1-based): chr12:94,308,820, C>T on the plus strand (G>A on the coding strand, the complement: CEP83 is on the minus strand). VCF-style: chr12-94308820-C-T. GRCh37 (hg19) VCF-style: chr12-94702596-C-T.
Other names: c.2099G>A, p.Gly700Glu (NM_001042399.2, NM_001346457.2, NM_001368037.1 and 1 more transcripts); c.1787G>A, p.Gly596Glu (NM_001346458.2, NM_001346459.2, NM_001368039.1 and 1 more transcripts); c.1874G>A, p.Gly625Glu (NM_001368041.1); short protein forms G596E, G625E, G700E.
Identifiers: ClinVar variation 1059602 (VCV001059602.7), dbSNP rs2136265331, ClinGen allele CA386045949.

ClinVar aggregate classification (germline): Uncertain significance (1 of 4 stars; one submission).

Conditions:
Nephronophthisis 18 (NPHP18). Identifiers: Orphanet 655, MedGen C3890591, MONDO:0014374, OMIM 615862.

Submission:

Labcorp Genetics (formerly Invitae), Labcorp
Classification: Uncertain significance for Nephronophthisis 18. Last evaluated: 2024-11-11. Review status: criteria provided, single submitter. Criteria: Invitae Variant Classification Sherloc (09022015). Collection method: clinical testing. Allele origin: germline.
Comment: This sequence change replaces glycine, which is neutral and non-polar, with glutamic acid, which is acidic and polar, at codon 700 of the CEP83 protein (p.Gly700Glu). This variant is not present in population databases (gnomAD no frequency). This variant has not been reported in the literature in individuals affected with CEP83-related conditions. ClinVar contains an entry for this variant (Variation ID: 1059602). An algorithm developed to predict the effect of missense changes on protein structure and function (PolyPhen-2) suggests that this variant is likely to be disruptive. In summary, the available evidence is currently insufficient to determine the role of this variant in disease. Therefore, it has been classified as a Variant of Uncertain Significance.